The following is an entry in ClinVar:

NM_014339.7(IL17RA):c.2170G>A (p.Glu724Lys)

Gene: IL17RA (interleukin 17 receptor A; plus strand). Cytogenetic location: 22q11.1.
Variant type: single nucleotide variant.
Coding change: c.2170G>A on transcript NM_014339.7 (MANE Select); coding-DNA position 2170, G replaced by A.
Protein change: p.Glu724Lys; replaces glutamic acid 724 with lysine.
Molecular consequence: missense variant.
Genome position (GRCh38, 1-based): chr22:17,109,389, G>A. VCF-style: chr22-17109389-G-A. GRCh37 (hg19) VCF-style: chr22-17590279-G-A.
Other names: c.2068G>A, p.Glu690Lys (NM_001289905.2); c.2170G>A (NM_014339.5); short protein forms E690K, E724K.
Identifiers: ClinVar variation 1059433 (VCV001059433.9), dbSNP rs149717999, ClinGen allele CA10086925.

ClinVar aggregate classification (germline): Uncertain significance. Review status: criteria provided, multiple submitters, no conflicts (2 of 4 stars). 2 submissions from 2 submitters: Uncertain significance (2). Last evaluated 2025-05-05.

Conditions:
Immunodeficiency 51 (IMD51). Also called: CANDIDIASIS, FAMILIAL, 5. Identifiers: Orphanet 1334, MedGen C4310803, MONDO:0013500, OMIM 613953.

Allele frequency attached by ClinVar (database versions not stated): gnomAD exomes 0.00001 and 0.00003; ExAC 0.00004; ESP Exome Variant Server 0.00008; gnomAD 0.00009; TOPMed 0.00010.
gnomAD v4.1: 29 of 1,612,554 alleles (0.0018%); highest among the groups gnomAD compares: African/African-American, 0.023%; no homozygotes.

Submissions (2):

Labcorp Genetics (formerly Invitae), Labcorp
Classification: Uncertain significance for Immunodeficiency 51. Last evaluated: 2025-05-05. Review status: criteria provided, single submitter. Criteria: Invitae Variant Classification Sherloc (09022015). Collection method: clinical testing. Allele origin: germline.
Comment: This sequence change replaces glutamic acid, which is acidic and polar, with lysine, which is basic and polar, at codon 724 of the IL17RA protein (p.Glu724Lys). This variant is present in population databases (rs149717999, gnomAD 0.03%). This variant has not been reported in the literature in individuals affected with IL17RA-related conditions. ClinVar contains an entry for this variant (Variation ID: 1059433). Invitae Evidence Modeling of protein sequence and biophysical properties (such as structural, functional, and spatial information, amino acid conservation, physicochemical variation, residue mobility, and thermodynamic stability) indicates that this missense variant is not expected to disrupt IL17RA protein function with a negative predictive value of 80%. In summary, the available evidence is currently insufficient to determine the role of this variant in disease. Therefore, it has been classified as a Variant of Uncertain Significance.

Ambry Genetics
Classification: Uncertain significance. Last evaluated: 2023-11-28. Review status: criteria provided, single submitter. Criteria: Ambry Variant Classification Scheme 2023. Collection method: clinical testing. Allele origin: germline.